The following is an entry in ClinVar:

ClinVar aggregate classification (germline): Uncertain significance (1 of 4 stars; one submission).

Conditions:
FG syndrome (FGS). Identifiers: MedGen C0220769, MONDO:0002010.

Allele frequency attached by ClinVar (database versions not stated): gnomAD exomes below 0.00001.
gnomAD v4.1: 1 of 1,211,148 alleles (0.000083%); highest among the groups gnomAD compares: Non-Finnish European, 0.00011%; no homozygotes.

Submission:

Labcorp Genetics (formerly Invitae), Labcorp
Classification: Uncertain significance for FG syndrome. Last evaluated: 2022-01-28. Review status: criteria provided, single submitter. Criteria: Invitae Variant Classification Sherloc (09022015). Collection method: clinical testing. Allele origin: germline.
Comment: This variant is not present in population databases (gnomAD no frequency). This variant has not been reported in the literature in individuals affected with MED12-related conditions. Advanced modeling of protein sequence and biophysical properties (such as structural, functional, and spatial information, amino acid conservation, physicochemical variation, residue mobility, and thermodynamic stability) performed at Invitae indicates that this missense variant is not expected to disrupt MED12 protein function. In summary, the available evidence is currently insufficient to determine the role of this variant in disease. Therefore, it has been classified as a Variant of Uncertain Significance. This sequence change replaces alanine, which is neutral and non-polar, with valine, which is neutral and non-polar, at codon 547 of the MED12 protein (p.Ala547Val).

NM_005120.3(MED12):c.1640C>T (p.Ala547Val)

Genes: MED12 (mediator complex subunit 12; plus strand), LOC126863275 (BRD4-independent group 4 enhancer GRCh37_chrX:70342400-70343599; plus strand). Cytogenetic location: Xq13.1.
Variant type: single nucleotide variant.
Coding change: c.1640C>T on transcript NM_005120.3 (MANE Select); coding-DNA position 1640, C replaced by T.
Protein change: p.Ala547Val; replaces alanine 547 with valine.
Molecular consequence: missense variant.
Genome position (GRCh38, 1-based): chrX:71,123,616, C>T. VCF-style: chrX-71123616-C-T. GRCh37 (hg19) VCF-style: chrX-70343466-C-T.
Other names: short protein forms A547V.
Identifiers: ClinVar variation 1905276 (VCV001905276.5), dbSNP rs2519673810, ClinGen allele CA413508062.